The following is an entry in ClinVar:

ClinVar aggregate classification (germline): Uncertain significance. Review status: criteria provided, multiple submitters, no conflicts (2 of 4 stars). 2 submissions from 2 submitters: Uncertain significance (2). Last evaluated 2025-03-29.

Conditions:
Hereditary cancer-predisposing syndrome. Also called: Neoplastic Syndromes, Hereditary; Tumor predisposition; Hereditary neoplastic syndrome; Hereditary Cancer Syndrome. Identifiers: Orphanet 140162, MedGen C0027672, MeSH D009386, MONDO:0015356.

Submissions (2):

Ambry Genetics
Classification: Uncertain significance for Hereditary cancer-predisposing syndrome. Last evaluated: 2025-03-29. Review status: criteria provided, single submitter. Criteria: Ambry Variant Classification Scheme 2023. Collection method: clinical testing. Allele origin: germline.
Comment: The p.S236P variant (also known as c.706T>C), located in coding exon 5 of the RAD50 gene, results from a T to C substitution at nucleotide position 706. The serine at codon 236 is replaced by proline, an amino acid with similar properties. This amino acid position is not well conserved in available vertebrate species. In addition, this alteration is predicted to be tolerated by in silico analysis. Since supporting evidence is limited at this time, the clinical significance of this alteration remains unclear.

Labcorp Genetics (formerly Invitae), Labcorp
Classification: Uncertain significance for Hereditary cancer-predisposing syndrome. Last evaluated: 2022-03-28. Review status: criteria provided, single submitter. Criteria: Invitae Variant Classification Sherloc (09022015). Collection method: clinical testing. Allele origin: germline.
Comment: In summary, the available evidence is currently insufficient to determine the role of this variant in disease. Therefore, it has been classified as a Variant of Uncertain Significance. Algorithms developed to predict the effect of missense changes on protein structure and function are either unavailable or do not agree on the potential impact of this missense change (SIFT: "Tolerated"; PolyPhen-2: "Possibly Damaging"; Align-GVGD: "Class C0"). ClinVar contains an entry for this variant (Variation ID: 826816). This variant has not been reported in the literature in individuals affected with RAD50-related conditions. This variant is not present in population databases (gnomAD no frequency). This sequence change replaces serine, which is neutral and polar, with proline, which is neutral and non-polar, at codon 236 of the RAD50 protein (p.Ser236Pro).

NM_005732.4(RAD50):c.706T>C (p.Ser236Pro)

Gene: RAD50 (RAD50 double strand break repair protein; plus strand). Cytogenetic location: 5q31.1.
Variant type: single nucleotide variant.
Coding change: c.706T>C on transcript NM_005732.4 (MANE Select); coding-DNA position 706, T replaced by C.
Protein change: p.Ser236Pro; replaces serine 236 with proline.
Molecular consequence: missense variant.
Genome position (GRCh38, 1-based): chr5:132,580,016, T>C. VCF-style: chr5-132580016-T-C. GRCh37 (hg19) VCF-style: chr5-131915708-T-C.
Other names: short protein forms S236P.
Identifiers: ClinVar variation 826816 (VCV000826816.15), dbSNP rs1580987767, ClinGen allele CA360936793.